The following is an entry in ClinVar:

NM_018117.12(WDR11):c.3417C>T (p.Ser1139=)

Gene: WDR11 (WD repeat domain 11; plus strand). Cytogenetic location: 10q26.12.
Variant type: single nucleotide variant.
Coding change: c.3417C>T on transcript NM_018117.12 (MANE Select); coding-DNA position 3417, C replaced by T.
Protein change: p.Ser1139=; no amino-acid change (serine 1139 retained).
Molecular consequence: synonymous variant.
Genome position (GRCh38, 1-based): chr10:120,906,001, C>T. VCF-style: chr10-120906001-C-T. GRCh37 (hg19) VCF-style: chr10-122665513-C-T.
Identifiers: ClinVar variation 4986070 (VCV004986070.1).

ClinVar aggregate classification (germline): Uncertain significance (1 of 4 stars; one submission).

Conditions:
WDR11-related disorder. Also called: WDR11-related condition.

gnomAD v4.1: 15 of 1,613,842 alleles (0.00093%); highest among the groups gnomAD compares: Middle Eastern, 0.051%; no homozygotes.

Submission:

PreventionGenetics, part of Exact Sciences
Classification: Uncertain significance for WDR11-related condition. Last evaluated: 2026-02-26. Review status: criteria provided, single submitter. Criteria: ACMG Guidelines, 2015. Collection method: clinical testing. Allele origin: germline.
Comment: The WDR11 c.3417C>T variant is not predicted to result in an amino acid change (p.=). Based on one available splicing prediction program (SpliceAI, Jaganathan et al. 2019. PubMed ID: 30661751), this variant is predicted to impact splicing; however, the use of computer prediction program(s) is not equivalent to functional evidence. To our knowledge, this variant has not been reported in the literature. This variant is reported in 0.00088% of alleles in individuals of European (Non-Finnish) descent in gnomAD. At this time, the clinical significance of this variant is uncertain due to the absence of conclusive functional and genetic evidence.